The following is an entry in ClinVar:

ClinVar aggregate classification (germline): Uncertain significance (1 of 4 stars; one submission).

Conditions:
Cardiovascular phenotype. Identifiers: MedGen CN230736.

Submission:

Ambry Genetics
Classification: Uncertain significance for Cardiovascular phenotype. Last evaluated: 2021-03-30. Review status: criteria provided, single submitter. Criteria: Ambry Variant Classification Scheme 2023. Collection method: clinical testing. Allele origin: germline.
Comment: The p.F90C variant (also known as c.269T>G), located in coding exon 5 of the TNNI3 gene, results from a T to G substitution at nucleotide position 269. The phenylalanine at codon 90 is replaced by cysteine, an amino acid with highly dissimilar properties. This amino acid position is not well conserved in available vertebrate species. In addition, the in silico prediction for this alteration is inconclusive. Since supporting evidence is limited at this time, the clinical significance of this alteration remains unclear.

NM_000363.5(TNNI3):c.269T>G (p.Phe90Cys)

Gene: TNNI3 (troponin I3, cardiac type; minus strand). Cytogenetic location: 19q13.42.
Variant type: single nucleotide variant.
Coding change: c.269T>G on transcript NM_000363.5 (MANE Select); coding-DNA position 269, T replaced by G.
Protein change: p.Phe90Cys; replaces phenylalanine 90 with cysteine.
Molecular consequence: missense variant.
Genome position (GRCh38, 1-based): chr19:55,156,214, A>C on the plus strand (T>G on the coding strand, the complement: TNNI3 is on the minus strand). VCF-style: chr19-55156214-A-C. GRCh37 (hg19) VCF-style: chr19-55667582-A-C.
Other names: short protein forms F90C.
Identifiers: ClinVar variation 1794891 (VCV001794891.2), dbSNP rs2515501535, ClinGen allele CA407441680.
Genomic context (GRCh38, chr19:55,156,214, plus strand): 5'-CTGCTGAATTCCGGGACTAGAAACCTCGCATCCTTGGGAGCCGGTACCTGCAGCTCCGCG[A>C]AGCCCAGCCCGGCCAACTCCAGCGGCTGGCAGCGGGTGCTCAGAGCGCGCCCCTTCTCTC-3'
Protein context (NP_000354.4, residues 80-100): CQPLELAGLG[Phe90Cys]AELQDLCRQL